The following is an entry in ClinVar:

ClinVar aggregate classification (germline): Uncertain significance (1 of 4 stars; one submission).

Allele frequency attached by ClinVar (database versions not stated): TOPMed 0.00001.
gnomAD v4.1: 8 of 1,486,164 alleles (0.00054%); highest among the groups gnomAD compares: Non-Finnish European, 0.00072%; no homozygotes.

Submission:

Labcorp Genetics (formerly Invitae), Labcorp
Classification: Uncertain significance. Last evaluated: 2023-12-18. Review status: criteria provided, single submitter. Criteria: Invitae Variant Classification Sherloc (09022015). Collection method: clinical testing. Allele origin: germline.
Comment: This sequence change replaces isoleucine, which is neutral and non-polar, with serine, which is neutral and polar, at codon 88 of the THBD protein (p.Ile88Ser). This variant is not present in population databases (gnomAD no frequency). This variant has not been reported in the literature in individuals affected with THBD-related conditions. ClinVar contains an entry for this variant (Variation ID: 1420046). Advanced modeling of protein sequence and biophysical properties (such as structural, functional, and spatial information, amino acid conservation, physicochemical variation, residue mobility, and thermodynamic stability) performed at Invitae indicates that this missense variant is expected to disrupt THBD protein function with a positive predictive value of 80%. In summary, the available evidence is currently insufficient to determine the role of this variant in disease. Therefore, it has been classified as a Variant of Uncertain Significance.

NM_000361.3(THBD):c.263T>G (p.Ile88Ser)

Gene: THBD (thrombomodulin; minus strand). Cytogenetic location: 20p11.21.
Variant type: single nucleotide variant.
Coding change: c.263T>G on transcript NM_000361.3 (MANE Select); coding-DNA position 263, T replaced by G.
Protein change: p.Ile88Ser; replaces isoleucine 88 with serine.
Molecular consequence: missense variant.
Genome position (GRCh38, 1-based): chr20:23,049,242, A>C on the plus strand (T>G on the coding strand, the complement: THBD is on the minus strand). VCF-style: chr20-23049242-A-C. GRCh37 (hg19) VCF-style: chr20-23029879-A-C.
Other names: short protein forms I88S.
Identifiers: ClinVar variation 1420046 (VCV001420046.6), dbSNP rs993568004, ClinGen allele CA313552284.